The following is an entry in ClinVar:

ClinVar aggregate classification (germline): Likely benign. Review status: criteria provided, multiple submitters, no conflicts (2 of 4 stars). 5 submissions from 5 submitters: Likely benign (5). Last evaluated 2024-11-07.

Conditions:
COL18A1-related disorder. Also called: COL18A1-related disorders; COL18A1-related condition.
Hereditary glaucoma, primary closed-angle. Also called: Glaucoma, primary closed-angle. Identifiers: MedGen C5394374, MONDO:0030038, OMIM 618880.
Knobloch syndrome 1 (KNO1). Identifiers: MedGen C4551775, MONDO:0800167, OMIM 267750.

Allele frequency attached by ClinVar (database versions not stated): gnomAD exomes 0.00001 and 0.00004; ExAC 0.00002; TOPMed 0.00003; gnomAD 0.00005; ESP Exome Variant Server 0.00008.
gnomAD v4.1: 67 of 1,612,324 alleles (0.0042%); highest among the groups gnomAD compares: Middle Eastern, 0.016%; no homozygotes.

Submissions (5):

PreventionGenetics, part of Exact Sciences
Classification: Likely benign for COL18A1-related condition. Last evaluated: 2024-11-07. Review status: criteria provided, single submitter. Criteria: ACMG Guidelines, 2015. Collection method: clinical testing. Allele origin: germline.
Comment: This variant is classified as likely benign based on ACMG/AMP sequence variant interpretation guidelines (Richards et al. 2015 PMID: 25741868, with internal and published modifications).

Labcorp Genetics (formerly Invitae), Labcorp
Classification: Likely benign. Last evaluated: 2024-11-05. Review status: criteria provided, single submitter. Criteria: Invitae Variant Classification Sherloc (09022015). Collection method: clinical testing. Allele origin: germline.

Blueprint Genetics
Classification: Likely benign. Last evaluated: 2022-12-30. Review status: criteria provided, single submitter. Criteria: ACMG Guidelines, 2015. Collection method: clinical testing. Allele origin: germline.

Fulgent Genetics
Classification: Likely benign for Knobloch syndrome 1; Hereditary glaucoma, primary closed-angle. Last evaluated: 2021-07-08. Review status: criteria provided, single submitter. Criteria: ACMG Guidelines, 2015. Collection method: clinical testing. Allele origin: unknown.

GeneDx
Classification: Likely benign. Last evaluated: 2018-02-13. Review status: criteria provided, single submitter. Criteria: GeneDx Variant Classification (06012015). Collection method: clinical testing. Allele origin: germline. Affected: yes.
Comment: This variant is considered likely benign or benign based on one or more of the following criteria: it is a conservative change, it occurs at a poorly conserved position in the protein, it is predicted to be benign by multiple in silico algorithms, and/or has population frequency not consistent with disease.

NM_001379500.1(COL18A1):c.2103C>T (p.Gly701=)

Gene: COL18A1 (collagen type XVIII alpha 1 chain; plus strand). Cytogenetic location: 21q22.3.
Variant type: single nucleotide variant.
Coding change: c.2103C>T on transcript NM_001379500.1 (MANE Select); coding-DNA position 2103, C replaced by T.
Protein change: p.Gly701=; no amino-acid change (glycine 701 retained).
Molecular consequence: synonymous variant.
Genome position (GRCh38, 1-based): chr21:45,491,260, C>T. VCF-style: chr21-45491260-C-T. GRCh37 (hg19) VCF-style: chr21-46911174-C-T.
Other names: NM_130445.2:c.2103C>T; c.2643C>T (NM_030582.3); c.2643C>T, p.Gly881= (NM_030582.4); c.3348C>T, p.Gly1116= (NM_130444.3).
Identifiers: ClinVar variation 515305 (VCV000515305.12), dbSNP rs377652187, ClinGen allele CA10066802.